The following is an entry in ClinVar:

ClinVar aggregate classification (germline): Uncertain significance (1 of 4 stars; one submission).

Submissions (2):

Labcorp Genetics (formerly Invitae), Labcorp
Classification: Uncertain significance. Last evaluated: 2022-07-27. Review status: criteria provided, single submitter. Criteria: Invitae Variant Classification Sherloc (09022015). Collection method: clinical testing. Allele origin: germline.
Comment: This sequence change affects a donor splice site in intron 12 of the SAMD11 gene. It is expected to disrupt RNA splicing. Variants that disrupt the donor or acceptor splice site typically lead to a loss of protein function (PMID: 16199547), however the current clinical and genetic evidence is not sufficient to establish whether loss-of-function variants in SAMD11 cause disease. In summary, the available evidence is currently insufficient to determine the role of this variant in disease. Therefore, it has been classified as a Variant of Uncertain Significance. Algorithms developed to predict the effect of sequence changes on RNA splicing suggest that this variant may disrupt the consensus splice site. This variant has not been reported in the literature in individuals affected with SAMD11-related conditions. This variant is not present in population databases (gnomAD no frequency).

Dr. Peter K. Rogan Lab, Western University
No classification provided (evidence only). Condition: Papillary renal cell carcinoma type 1. Review status: no classification provided. Collection method: in vitro. Allele origin: not applicable. Functional consequence: retained intron. Not counted in ClinVar's aggregate classification.

Literature cited by the submitters: PubMed 16199547 (cited by Labcorp Genetics (formerly Invitae), Labcorp).

NM_001385641.1(SAMD11):c.2178+1G>A

Gene: SAMD11 (sterile alpha motif domain containing 11; plus strand). Cytogenetic location: 1p36.33.
Variant type: single nucleotide variant.
Coding change: c.2178+1G>A on transcript NM_001385641.1 (MANE Select); the canonical splice donor site of the intron after coding-DNA position 2178, G replaced by A.
Molecular consequence: splice donor variant.
Genome position (GRCh38, 1-based): chr1:943,378, G>A. VCF-style: chr1-943378-G-A. GRCh37 (hg19) VCF-style: chr1-878758-G-A.
Other names: c.2181+1G>A (NM_001385640.1); c.1689+1G>A (NM_152486.4).
Identifiers: ClinVar variation 1981539 (VCV001981539.5), dbSNP rs747039482, ClinGen allele CA337815649.
Genomic context (GRCh38, chr1:943,378, plus strand): 5'-ACCGTGGATGACGTCTGCAGCTTCGTGGGGGGCCTGTCTGGCTGTGGAGAGTACACTCGG[G>A]TAAGGGGGGGCCCCAGTTCCTGGGGCGGGGCTGGAGCTGGCTGGCAGTCACTACCTCCCT-3'